The following is an entry in ClinVar:

ClinVar aggregate classification (germline): Uncertain significance (0 of 4 stars; one submission).

Submission:

Greenwood Genetic Center Diagnostic Laboratories, Greenwood Genetic Center
Classification: Uncertain significance. Last evaluated: 2021-04-23. Review status: no assertion criteria provided. Collection method: clinical testing. Allele origin: germline. Affected: yes.
Comment: Gene of uncertain significance

NM_014654.4(SDC3):c.1297_1299del (p.Lys433del)

Gene: SDC3 (syndecan 3; minus strand). Cytogenetic location: 1p35.2.
Variant type: Deletion.
Coding change: c.1297_1299del on transcript NM_014654.4 (MANE Select); coding-DNA positions 1297 to 1299, 3 bases deleted (AAG; older notation c.1297_1299delAAG).
Protein change: p.Lys433del; deletes lysine 433.
Molecular consequence: inframe deletion.
Genome position (GRCh38, 1-based): chr1:30,873,241-30,873,243, CTT deleted on the plus strand (AAG on the coding strand, the reverse complement: SDC3 is on the minus strand); deleting any 3 consecutive bases within chr1:30,873,241-30,873,245 gives the same sequence; the c. name uses the placement nearest the transcript's 3' end. VCF-style (leftmost placement, unchanged base first): chr1-30873240-GCTT-G. GRCh37 (hg19) VCF-style: chr1-31346087-GCTT-G.
Other names: short protein forms K433del.
Identifiers: ClinVar variation 1334719 (VCV001334719.4), dbSNP rs2124304646, ClinGen allele CA2573051556.